The following is an entry in ClinVar:

ClinVar aggregate classification (germline): Likely pathogenic (1 of 4 stars; one submission).

Conditions:
Familial dysautonomia. Also called: HSAN III; FD. Identifiers: Orphanet 1764, MedGen C0013364, MONDO:0009131, OMIM 223900. Disease mechanism: loss of function.

Submission:

Natera, Inc.
Classification: Likely pathogenic for Familial dysautonomia. Last evaluated: 2024-03-27. Review status: criteria provided, single submitter. Criteria: Natera Variant Classification Schema (03/2026). Collection method: clinical testing. Allele origin: germline.
Comment: The c.77_78delTC variant in ELP1 is a frameshift variant predicted to shift the reading frame beginning at codon 26 and leads to a stop codon 3 codons downstream. This variant is expected to result in nonsense mediated decay, truncation, or a dysfunctional protein product. This variant is rare in the general population with a frequency below the threshold expected for the associated phenotype(s). Given the available evidence, this variant is classified as Likely Pathogenic.

NM_003640.5(ELP1):c.77_78del (p.Leu26fs)

Gene: ELP1 (elongator acetyltransferase complex subunit 1; minus strand). Cytogenetic location: 9q31.3.
Variant type: Microsatellite.
Coding change: c.77_78del on transcript NM_003640.5 (MANE Select); coding-DNA positions 77 to 78, 2 bases deleted (TC; older notation c.77_78delTC).
Protein change: p.Leu26fs; shifts the reading frame from leucine 26.
Molecular consequence: frameshift variant. On other transcripts: 5 prime UTR variant (1), intron variant (1).
Genome position (GRCh38, 1-based): chr9:108,931,069-108,931,070, GA deleted on the plus strand (TC on the coding strand, the reverse complement: ELP1 is on the minus strand); deleting any 2 consecutive bases within chr9:108,931,069-108,931,076 gives the same sequence; the c. name uses the placement nearest the transcript's 3' end. VCF-style (leftmost placement, unchanged base first): chr9-108931068-GGA-G. GRCh37 (hg19) VCF-style: chr9-111693348-GGA-G.
Other names: c.-789TC[3] (NM_001330749.2); c.-252-20TC[3] (NM_001318360.2); short protein forms L26fs.
Identifiers: ClinVar variation 4815249 (VCV004815249.1).